The following is an entry in ClinVar:

NM_000304.4(PMP22):c.-23G>T

Gene: PMP22 (peripheral myelin protein 22; minus strand). Cytogenetic location: 17p12.
Variant type: single nucleotide variant.
Coding change: c.-23G>T on transcript NM_000304.4 (MANE Select); 23 bases upstream of the start codon, G replaced by T.
Molecular consequence: 5 prime UTR variant.
Genome position (GRCh38, 1-based): chr17:15,260,750, C>A on the plus strand (G>T on the coding strand, the complement: PMP22 is on the minus strand). VCF-style: chr17-15260750-C-A. GRCh37 (hg19) VCF-style: chr17-15164067-C-A.
Other names: c.-23G>T (NM_001281455.2, NM_001281456.2, NM_001330143.2 and 2 more transcripts).
Identifiers: ClinVar variation 385269 (VCV000385269.1), dbSNP rs1057521404, ClinGen allele CA16607596.
Genomic context (GRCh38, chr17:15,260,750, plus strand): 5'-ACGTGGAGGACGATGATACTCAGCAACAGGAGGAGCATTCTGGCGGCAAGTTCTGCTCAG[C>A]GGAGTTTCTGCCTGCGAGGAGAGCGCTGGGCGTGAGGCCGAACGCACTGGGCCGAGCGAC-3'

ClinVar aggregate classification (germline): Likely benign (1 of 4 stars; one submission).

Allele frequency attached by ClinVar (database versions not stated): TOPMed below 0.00001; gnomAD 0.00001; gnomAD exomes 0.00001 and 0.00003.
gnomAD v4.1: 10 of 1,547,300 alleles (0.00065%); highest among the groups gnomAD compares: Admixed American, 0.0078%; no homozygotes.

Submission:

GeneDx
Classification: Likely benign. Last evaluated: 2016-04-08. Review status: criteria provided, single submitter. Criteria: GeneDx Variant Classification (06012015). Collection method: clinical testing. Allele origin: germline. Affected: yes.
Comment: This variant is considered likely benign or benign based on one or more of the following criteria: it is a conservative change, it occurs at a poorly conserved position in the protein, it is predicted to be benign by multiple in silico algorithms, and/or has population frequency not consistent with disease.